The following is an entry in ClinVar:

ClinVar aggregate classification (germline): Uncertain significance (1 of 4 stars; one submission).

Submission:

Labcorp Genetics (formerly Invitae), Labcorp
Classification: Uncertain significance. Last evaluated: 2022-11-22. Review status: criteria provided, single submitter. Criteria: Invitae Variant Classification Sherloc (09022015). Collection method: clinical testing. Allele origin: germline.
Comment: In summary, the available evidence is currently insufficient to determine the role of this variant in disease. Therefore, it has been classified as a Variant of Uncertain Significance. Advanced modeling of protein sequence and biophysical properties (such as structural, functional, and spatial information, amino acid conservation, physicochemical variation, residue mobility, and thermodynamic stability) performed at Invitae indicates that this missense variant is not expected to disrupt TCIRG1 protein function. ClinVar contains an entry for this variant (Variation ID: 1376902). This variant has not been reported in the literature in individuals affected with TCIRG1-related conditions. This variant is not present in population databases (gnomAD no frequency). This sequence change replaces proline, which is neutral and non-polar, with arginine, which is basic and polar, at codon 90 of the TCIRG1 protein (p.Pro90Arg).

NM_006019.4(TCIRG1):c.269C>G (p.Pro90Arg)

Gene: TCIRG1 (T cell immune regulator 1, ATPase H+ transporting V0 subunit a3; plus strand). Cytogenetic location: 11q13.2.
Variant type: single nucleotide variant.
Coding change: c.269C>G on transcript NM_006019.4 (MANE Select); coding-DNA position 269, C replaced by G.
Protein change: p.Pro90Arg; replaces proline 90 with arginine.
Molecular consequence: missense variant. On other transcripts: 5 prime UTR variant (1).
Genome position (GRCh38, 1-based): chr11:68,042,715, C>G. VCF-style: chr11-68042715-C-G. GRCh37 (hg19) VCF-style: chr11-67810182-C-G.
Other names: c.-981C>G (NM_001351059.2); short protein forms P90R.
Identifiers: ClinVar variation 1376902 (VCV001376902.6), dbSNP rs908094911, ClinGen allele CA381575587.
Genomic context (GRCh38, chr11:68,042,715, plus strand): 5'-AGGAGGTGCGGCGGGCTGGGCTGGTCCTGCCCCCGCCAAAGGGGAGGCTGCCGGCACCCC[C>G]ACCCCGGGACCTGCTGCGCATCCAGGAGGAGACGGAGCGCCTGGCCCAGGAGCTGCGGGA-3'
Protein context (NP_006010.2, residues 80-100): PPPKGRLPAP[Pro90Arg]PRDLLRIQEE